The following is an entry in ClinVar:

ClinVar aggregate classification (germline): Uncertain significance. Review status: criteria provided, single submitter (1 of 4 stars). 2 submissions from 2 submitters: Uncertain significance (1). 1 of the submissions does not count toward it. Last evaluated 2025-08-27.

Conditions:
Optic atrophy. Identifiers: MedGen C0029124, MONDO:0003608, HP:0000648.

Allele frequency attached by ClinVar (database versions not stated): gnomAD exomes below 0.00001 and 0.00001; gnomAD 0.00001; TOPMed 0.00001.
gnomAD v4.1: 5 of 1,551,268 alleles (0.00032%); highest among the groups gnomAD compares: Non-Finnish European, 0.00044%; no homozygotes.

Submissions (2):

Labcorp Genetics (formerly Invitae), Labcorp
Classification: Uncertain significance. Last evaluated: 2025-08-27. Review status: criteria provided, single submitter. Criteria: Invitae Variant Classification Sherloc (09022015). Collection method: clinical testing. Allele origin: germline.
Comment: This sequence change replaces isoleucine, which is neutral and non-polar, with valine, which is neutral and non-polar, at codon 238 of the DTHD1 protein (p.Ile238Val). This variant is present in population databases (no rsID available, gnomAD 0.002%). This variant has not been reported in the literature in individuals affected with DTHD1-related conditions. ClinVar contains an entry for this variant (Variation ID: 1442458). An algorithm developed to predict the effect of missense changes on protein structure and function outputs the following: PolyPhen-2: "Benign". The valine amino acid residue is found in multiple mammalian species, which suggests that this missense change does not adversely affect protein function. In summary, the available evidence is currently insufficient to determine the role of this variant in disease. Therefore, it has been classified as a Variant of Uncertain Significance.

Institute of Human Genetics, Univ. Regensburg, Univ. Regensburg
Classification: Uncertain significance for Optic atrophy. Last evaluated: 2023-01-01. Review status: no assertion criteria provided. Criteria: ACMG Guidelines, 2015. Collection method: clinical testing. Allele origin: germline. Affected: yes. Not counted in ClinVar's aggregate classification.

NM_001170700.3(DTHD1):c.1582A>G (p.Ile528Val)

Gene: DTHD1 (death domain containing 1; plus strand). Cytogenetic location: 4p14.
Variant type: single nucleotide variant.
Coding change: c.1582A>G on transcript NM_001170700.3 (MANE Select); coding-DNA position 1582, A replaced by G.
Protein change: p.Ile528Val; replaces isoleucine 528 with valine.
Molecular consequence: missense variant. On other transcripts: non-coding transcript variant (2).
Genome position (GRCh38, 1-based): chr4:36,294,978, A>G. VCF-style: chr4-36294978-A-G. GRCh37 (hg19) VCF-style: chr4-36296600-A-G.
Other names: c.712A>G, p.Ile238Val (NM_001136536.5); c.649A>G, p.Ile217Val (NM_001378435.1); short protein forms I528V, I217V, I238V.
Identifiers: ClinVar variation 1442458 (VCV001442458.9), dbSNP rs1215637414, ClinGen allele CA356680124.
Genomic context (GRCh38, chr4:36,294,978, plus strand): 5'-CCAGTCACTTTGTTTTTACCTTGTTCTCCATACCTTGATAAAAACAACCTTGGTTCTGAG[A>G]TAGATCATAAAAGAAGAGCAAGTGCCACAATAAATAGGATTACACCTTCGTATTTCAACC-3'
Protein context (NP_001164171.2, residues 518-538): YLDKNNLGSE[Ile528Val]DHKRRASATI